The following is an entry in ClinVar:

NM_000038.6(APC):c.3295G>A (p.Val1099Ile)

Gene: APC (APC regulator of Wnt signaling pathway; plus strand). Cytogenetic location: 5q22.2.
Variant type: single nucleotide variant.
Coding change: c.3295G>A on transcript NM_000038.6 (MANE Select); coding-DNA position 3295, G replaced by A.
Protein change: p.Val1099Ile; replaces valine 1099 with isoleucine.
Molecular consequence: missense variant.
Genome position (GRCh38, 1-based): chr5:112,838,889, G>A. VCF-style: chr5-112838889-G-A. GRCh37 (hg19) VCF-style: chr5-112174586-G-A.
Other names: p.V1099I:GTT>ATT; c.3295G>A, p.Val1099Ile (NM_001127510.3, NM_001354895.2); c.3241G>A, p.Val1081Ile (NM_001127511.3); c.3349G>A, p.Val1117Ile (NM_001354896.2); c.3325G>A, p.Val1109Ile (NM_001354897.2); c.3220G>A, p.Val1074Ile (NM_001354898.2); c.3211G>A, p.Val1071Ile (NM_001354899.2); c.3172G>A, p.Val1058Ile (NM_001354900.2); and 6 more; short protein forms V1081I, V1099I, V1058I, V1071I, V1040I, V1074I, V939I, V973I.
Identifiers: ClinVar variation 181800 (VCV000181800.27), dbSNP rs730881245, ClinGen allele CA008242.

ClinVar aggregate classification (germline): Uncertain significance. Review status: criteria provided, multiple submitters, no conflicts (2 of 4 stars). 8 submissions from 8 submitters: Uncertain significance (8). Last evaluated 2025-02-01.

Conditions:
Classic or attenuated familial adenomatous polyposis. Identifiers: MedGen CN372698, MONDO:0021057.
Hereditary cancer-predisposing syndrome. Also called: Tumor predisposition; Neoplastic Syndromes, Hereditary; Hereditary neoplastic syndrome; Hereditary Cancer Syndrome. Identifiers: Orphanet 140162, MedGen C0027672, MeSH D009386, MONDO:0015356.
Familial adenomatous polyposis 1 (FAP1). Also called: FAMILIAL ADENOMATOUS POLYPOSIS 1, ATTENUATED; POLYPOSIS, ADENOMATOUS INTESTINAL. Identifiers: MedGen C2713442, MONDO:0021056, OMIM 175100. Disease mechanism: loss of function.

Allele frequency attached by ClinVar (database versions not stated): ExAC 0.00001; gnomAD 0.00001; gnomAD exomes 0.00001; TOPMed 0.00001.
gnomAD v4.1: 20 of 1,614,022 alleles (0.0012%); highest among the groups gnomAD compares: Non-Finnish European, 0.0014%; no homozygotes.

Submissions (8):

Ambry Genetics
Classification: Uncertain significance for Hereditary cancer-predisposing syndrome. Last evaluated: 2025-02-01. Review status: criteria provided, single submitter. Criteria: Ambry Variant Classification Scheme 2023. Collection method: clinical testing. Allele origin: germline.
Comment: The p.V1099I variant (also known as c.3295G>A), located in coding exon 15 of the APC gene, results from a G to A substitution at nucleotide position 3295. The valine at codon 1099 is replaced by isoleucine, an amino acid with highly similar properties. This amino acid position is well conserved in available vertebrate species. In addition, in silico predictors for this gene do not accurately predict pathogenicity. Missense alterations in APC are not a common cause of disease (Spier I et al. Genet Med. 2024 Feb;26(2):100992). Based on the available evidence, the clinical significance of this variant remains unclear.

Labcorp Genetics (formerly Invitae), Labcorp
Classification: Uncertain significance for Familial adenomatous polyposis 1. Last evaluated: 2024-12-12. Review status: criteria provided, single submitter. Criteria: Invitae Variant Classification Sherloc (09022015). Collection method: clinical testing. Allele origin: germline.
Comment: This sequence change replaces valine, which is neutral and non-polar, with isoleucine, which is neutral and non-polar, at codon 1099 of the APC protein (p.Val1099Ile). This variant is not present in population databases (gnomAD no frequency). This missense change has been observed in individual(s) with polyposis (internal data). ClinVar contains an entry for this variant (Variation ID: 181800). Invitae Evidence Modeling of protein sequence and biophysical properties (such as structural, functional, and spatial information, amino acid conservation, physicochemical variation, residue mobility, and thermodynamic stability) indicates that this missense variant is not expected to disrupt APC protein function with a negative predictive value of 95%. In summary, the available evidence is currently insufficient to determine the role of this variant in disease. Therefore, it has been classified as a Variant of Uncertain Significance.

Blueprint Genetics
Classification: Uncertain significance. Last evaluated: 2024-09-17. Review status: criteria provided, single submitter. Criteria: ACMG Guidelines, 2015. Collection method: clinical testing. Allele origin: germline.

All of Us Research Program, National Institutes of Health
Classification: Uncertain significance for Classic or attenuated familial adenomatous polyposis. Last evaluated: 2024-05-09. Review status: criteria provided, single submitter. Criteria: ACMG Guidelines, 2015. Collection method: clinical testing. Allele origin: germline. Inheritance: Autosomal dominant inheritance. Observed: 2 variant alleles, 2 heterozygotes.
Comment: This missense variant replaces valine with isoleucine at codon 1099 of the APC protein. Computational prediction suggests that this variant may not impact protein structure and function (internally defined REVEL score threshold <= 0.5, PMID: 27666373). Splice site prediction tools suggest that this variant may not impact RNA splicing. To our knowledge, functional studies have not been performed for this variant. This variant has not been reported in individuals affected with hereditary cancer in the literature. This variant has been identified in 1/31408 chromosomes in the general population by the Genome Aggregation Database (gnomAD). The available evidence is insufficient to determine the role of this variant in disease conclusively. Therefore, this variant is classified as a Variant of Uncertain Significance.

This study involves interpretation of variants in research participants for the purpose of population health screening. Participant phenotype was not available at the time of variant classification. Additional details can be found in publication PMID: 35346344, PMCID: PMC8962531

Color Diagnostics, LLC DBA Color Health
Classification: Uncertain significance for Hereditary cancer-predisposing syndrome. Last evaluated: 2024-02-05. Review status: criteria provided, single submitter. Criteria: ACMG Guidelines, 2015. Collection method: clinical testing. Allele origin: germline.
Comment: This missense variant replaces valine with isoleucine at codon 1099 of the APC protein. Computational prediction suggests that this variant may not impact protein structure and function (internally defined REVEL score threshold <= 0.5, PMID: 27666373). To our knowledge, functional studies have not been reported for this variant. This variant has not been reported in individuals affected with APC-related disorders in the literature. This variant has been reported in individual(s) affected with polyposis (ClinVar SCV000819007.6). This variant has been identified in 1/31408 chromosomes in the general population by the Genome Aggregation Database (gnomAD). The available evidence is insufficient to determine the role of this variant in disease conclusively. Therefore, this variant is classified as a Variant of Uncertain Significance.

Baylor Genetics
Classification: Uncertain significance for Familial adenomatous polyposis 1. Last evaluated: 2023-10-05. Review status: criteria provided, single submitter. Criteria: ACMG Guidelines, 2015. Collection method: clinical testing. Allele origin: unknown.

GeneDx
Classification: Uncertain significance. Last evaluated: 2023-03-21. Review status: criteria provided, single submitter. Criteria: GeneDx Variant Classification Process June 2021. Collection method: clinical testing. Allele origin: germline. Affected: yes.
Comment: Not observed at significant frequency in large population cohorts (gnomAD); In silico analysis supports that this missense variant does not alter protein structure/function; Has not been previously published as pathogenic or benign to our knowledge; This variant is associated with the following publications: (PMID: 29642553, 18199528)

Mendelics
Classification: Uncertain significance for Familial adenomatous polyposis 1. Last evaluated: 2018-07-02. Review status: criteria provided, single submitter. Criteria: Mendelics Assertion Criteria 2017. Collection method: clinical testing. Allele origin: unknown.